The following is an entry in ClinVar:

NM_000465.4(BARD1):c.195A>T (p.Gly65=)

Gene: BARD1 (BRCA1 associated RING domain 1; minus strand). Cytogenetic location: 2q35.
Variant type: single nucleotide variant.
Coding change: c.195A>T on transcript NM_000465.4 (MANE Select); coding-DNA position 195, A replaced by T.
Protein change: p.Gly65=; no amino-acid change (glycine 65 retained).
Molecular consequence: synonymous variant. On other transcripts: non-coding transcript variant (2), intron variant (2).
Genome position (GRCh38, 1-based): chr2:214,797,081, T>A on the plus strand (A>T on the coding strand, the complement: BARD1 is on the minus strand). VCF-style: chr2-214797081-T-A. GRCh37 (hg19) VCF-style: chr2-215661805-T-A.
Other names: c.195A>T, p.Gly65= (NM_001282545.2, NM_001282549.2); c.158+12331A>T (NM_001282548.2); c.159-4636A>T (NM_001282543.2); c.195A>T (NM_000465.2).
Identifiers: ClinVar variation 796750 (VCV000796750.11), dbSNP rs1574847294, ClinGen allele CA431144697.
Genomic context (GRCh38, chr2:214,797,081, plus strand): 5'-AATACAGTTGTACTATATACATCAAACCGTAATTACTTACCTACAGAAGATGTGCTCACA[T>A]CCTCCTAAACACACAGGCTCTCTCAGAATGTTAGTACTGTTTGAAGAAATTAAAACAATC-3'
Protein context (NP_000456.2, residues 55-75): NILREPVCLG[Gly65=]CEHIFCSNCV

ClinVar aggregate classification (germline): Benign/Likely benign. Review status: criteria provided, multiple submitters, no conflicts (2 of 4 stars). 3 submissions from 3 submitters: Benign (1); Likely benign (2). Last evaluated 2024-07-18.

Conditions:
Hereditary cancer-predisposing syndrome. Also called: Neoplastic Syndromes, Hereditary; Hereditary neoplastic syndrome; Tumor predisposition; Hereditary Cancer Syndrome. Identifiers: Orphanet 140162, MedGen C0027672, MeSH D009386, MONDO:0015356.
Familial cancer of breast. Also called: hereditary breast carcinoma; Hereditary breast cancer; BREAST CANCER, FAMILIAL. Identifiers: Orphanet 227535, MedGen C0346153, MONDO:0016419, OMIM 114480. Disease mechanism: loss of function.

Allele frequency attached by ClinVar (database versions not stated): TOPMed below 0.00001.

Submissions (3):

Myriad Genetics, Inc.
Classification: Benign for Familial cancer of breast. Last evaluated: 2024-07-18. Review status: criteria provided, single submitter. Criteria: Myriad Autosomal Dominant, Autosomal Recessive and X-Linked Classification Criteria (2023). Collection method: clinical testing. Allele origin: unknown.
Comment: This variant is considered benign. This variant is a silent/synonymous amino acid change and it is not expected to impact splicing.

Ambry Genetics
Classification: Likely benign for Hereditary cancer-predisposing syndrome. Last evaluated: 2024-02-02. Review status: criteria provided, single submitter. Criteria: Ambry Variant Classification Scheme 2023. Collection method: clinical testing. Allele origin: germline.

Labcorp Genetics (formerly Invitae), Labcorp
Classification: Likely benign for Familial cancer of breast. Last evaluated: 2018-12-15. Review status: criteria provided, single submitter. Criteria: Invitae Variant Classification Sherloc (09022015). Collection method: clinical testing. Allele origin: germline.